The following is an entry in ClinVar:

NC_000019.10:g.12887294G>A

Genes: KLF1 (KLF transcription factor 1; minus strand), LOC117125592 (CRISPRi-FlowFISH-validated CALR, DHPS, JUNB, PRDX2, RAD23A, RNASEH2A and WDR83OS regulatory element; plus strand). Cytogenetic location: 19p13.13.
Variant type: single nucleotide variant.
Genome position: GRCh38 VCF-style: chr19-12887294-G-A. GRCh37 (hg19) VCF-style: chr19-12998108-G-A.
Identifiers: ClinVar variation 4940913 (VCV004940913.2).

ClinVar aggregate classification (germline): Uncertain significance. Review status: criteria provided, multiple submitters, no conflicts (2 of 4 stars). 2 submissions from 2 submitters: Uncertain significance (2). Last evaluated 2026-08-18.

Conditions:
KLF1-related disorder. Also called: KLF1-Related Disorders; KLF1-related condition.

Submissions (2):

PreventionGenetics, part of Exact Sciences
Classification: Uncertain significance for KLF1-related condition. Last evaluated: 2026-08-18. Review status: criteria provided, single submitter. Criteria: ACMG Guidelines, 2015. Collection method: clinical testing. Allele origin: germline.
Comment: The KLF1 c.-154C>T variant is located in the 5' untranslated region. This variant was reported in the heterozygous and compound heterozygous state in individuals with hemolytic anemia and/or increased fetal hemoglobin (Viprakasit et al. 2014. PubMed ID: 24443441; Singha et al. 2024. PubMed ID: 37507221; Tepakhan et al. 2016. PubMed ID: 27282573). This variant has not been reported in a large population database (gnomAD), indicating this variant is rare. Although we suspect that this variant may be pathogenic, at this time, the clinical significance of this variant is uncertain due to the absence of conclusive functional and genetic evidence.

Blueprint Genetics
Classification: Uncertain significance. Last evaluated: 2024-04-08. Review status: criteria provided, single submitter. Criteria: ACMG Guidelines, 2015. Collection method: clinical testing. Allele origin: germline.